The following is an entry in ClinVar:

NM_003482.4(KMT2D):c.3968dup (p.Gly1323_Arg1324insTer)

Genes: KMT2D (lysine methyltransferase 2D; minus strand), LOC126861520 (CDK7 strongly-dependent group 2 enhancer GRCh37_chr12:49442744-49443943; plus strand). Cytogenetic location: 12q13.12.
Variant type: Duplication.
Coding change: c.3968dup on transcript NM_003482.4 (MANE Select); coding-DNA position 3968, one base duplicated (G; older notation c.3968dupG).
Protein change: p.Gly1323_Arg1324insTer.
Molecular consequence: frameshift variant.
Genome position (GRCh38, 1-based): chr12:49,049,157, C duplicated on the plus strand (G on the coding strand, the reverse complement: KMT2D is on the minus strand); the first of 2 consecutive C bases (chr12:49,049,157-49,049,158); duplicating either gives the same sequence. VCF-style (leftmost placement, unchanged base first): chr12-49049156-A-AC. GRCh37 (hg19) VCF-style: chr12-49442939-A-AC.
Other names: c.3968dupG (NM_003482.3).
Identifiers: ClinVar variation 692057 (VCV000692057.1), dbSNP rs1592150075, ClinGen allele CA915948407.

ClinVar aggregate classification (germline): Pathogenic (1 of 4 stars; one submission).

Conditions:
Kabuki syndrome 1 (KABUK1). Also called: KMT2D-Related Kabuki Syndrome. Identifiers: Orphanet 2322, MedGen CN030661, MONDO:0007843, OMIM 147920.

Submission:

Rady Children's Institute for Genomic Medicine, Rady Children's Hospital San Diego
Classification: Pathogenic for KABUKI SYNDROME 1. Last evaluated: 2018-10-16. Review status: criteria provided, single submitter. Criteria: ACMG Guidelines, 2015. Collection method: clinical testing. Allele origin: germline. Affected: yes. Observed: 1 variant allele.
Comment: This frameshifting variant in exon 12 of 54 introduces a premature stop codon and is therefore predicted to result in loss of normal protein function. This variant has not been previously reported or functionally characterized in the literature to our knowledge, but loss of function variants are an established mechanism of disease for KMT2D. The variant is absent from the ExAC and gnomAD population databases and thus is presumed to be rare. Analysis of the parental samples was negative for the variant, indicating this variant likely occurred as a de novo event. Based on the available evidence, the c.3968dupG, p.Arg1324Ter variant is classified as Pathogenic.